The following is an entry in ClinVar:

ClinVar aggregate classification (germline): Pathogenic (1 of 4 stars; one submission).

Conditions:
Maple syrup urine disease (MSUD). Identifiers: Orphanet 511, MedGen C0024776, MeSH D008375, MONDO:0009563. Disease mechanism: loss of function.

Submission:

Labcorp Genetics (formerly Invitae), Labcorp
Classification: Pathogenic for Maple syrup urine disease. Last evaluated: 2024-06-17. Review status: criteria provided, single submitter. Criteria: Invitae Variant Classification Sherloc (09022015). Collection method: clinical testing. Allele origin: germline.
Comment: This sequence change creates a premature translational stop signal (p.Glu160Aspfs*7) in the DBT gene. It is expected to result in an absent or disrupted protein product. Loss-of-function variants in DBT are known to be pathogenic (PMID: 16579849, 16786533). This variant is not present in population databases (gnomAD no frequency). This variant has not been reported in the literature in individuals affected with DBT-related conditions. For these reasons, this variant has been classified as Pathogenic.

Literature cited by the submitters: PubMed 16579849; PubMed 16786533.

NM_001918.5(DBT):c.480del (p.Glu160fs)

Gene: DBT (dihydrolipoamide branched chain transacylase E2; minus strand). Cytogenetic location: 1p21.2.
Variant type: Deletion.
Coding change: c.480del on transcript NM_001918.5 (MANE Select); coding-DNA position 480, one base deleted (A; older notation c.480delA).
Protein change: p.Glu160fs; shifts the reading frame from glutamic acid 160.
Molecular consequence: frameshift variant. On other transcripts: 5 prime UTR variant (2), non-coding transcript variant (4).
Genome position (GRCh38, 1-based): chr1:100,218,701, T deleted on the plus strand (A on the coding strand, the reverse complement: DBT is on the minus strand); the first of 2 consecutive T bases (chr1:100,218,701-100,218,702); deleting either gives the same sequence. VCF-style (leftmost placement, unchanged base first): chr1-100218700-GT-G. GRCh37 (hg19) VCF-style: chr1-100684256-GT-G.
Other names: c.-64del (NM_001399969.1, NM_001399972.1); short protein forms E160fs.
Identifiers: ClinVar variation 3655582 (VCV003655582.2).